The following is an entry in ClinVar:

ClinVar aggregate classification (germline): Uncertain significance (1 of 4 stars; one submission).

Submission:

Dasa
Classification: Uncertain significance. Last evaluated: 2025-02-03. Review status: criteria provided, single submitter. Criteria: DASA Assertion Criteria. Collection method: clinical testing. Allele origin: germline.
Comment: NM_001286827.3(GABRA2):c.1065del (p.Lys355Asnfs*12) is a frameshift variant in GABRA2 predicted to alter the reading frame and introduce a premature termination codon. This variant is absent from population databases. The currently available literature and clinical evidence are not sufficient to establish a definitive association between this variant and the reported condition. Therefore, this variant is classified as a variant of uncertain significance.

NM_000807.4(GABRA2):c.1060-5600del

Gene: GABRA2 (gamma-aminobutyric acid type A receptor subunit alpha2; minus strand). Cytogenetic location: 4p12.
Variant type: Deletion.
Coding change: c.1060-5600del on transcript NM_000807.4 (MANE Select); 5600 bases into the intron before coding-DNA position 1060, one base deleted (A; older notation c.1060-5600delA).
Molecular consequence: intron variant. On other transcripts: frameshift variant (4).
Genome position (GRCh38, 1-based): chr4:46,256,204, T deleted on the plus strand (A on the coding strand, the reverse complement: GABRA2 is on the minus strand); the first of 3 consecutive T bases (chr4:46,256,204-46,256,206); deleting any one gives the same sequence. VCF-style (leftmost placement, unchanged base first): chr4-46256203-GT-G. GRCh37 (hg19) VCF-style: chr4-46258220-GT-G.
Other names: c.1065del, p.Lys355fs (NM_001286827.3); c.1230del, p.Lys410fs (NM_001330690.2, NM_001377144.1, NM_001377145.1); c.895-5600del (NM_001377154.1, NM_001377152.1, NM_001377153.1); c.1060-5600del (NM_001377146.1, NM_001377150.1, NM_001377147.1 and 4 more transcripts); short protein forms K355fs, K410fs.
Identifiers: ClinVar variation 4883851 (VCV004883851.2).